The following is an entry in ClinVar:

ClinVar aggregate classification (germline): Uncertain significance (1 of 4 stars; one submission).

Submission:

Ambry Genetics
Classification: Uncertain significance. Last evaluated: 2026-01-18. Review status: criteria provided, single submitter. Criteria: Ambry Variant Classification Scheme 2023. Collection method: clinical testing. Allele origin: germline.
Comment: The p.A296T variant (also known as c.886G>A), located in coding exon 4 of the GFI1 gene, results from a G to A substitution at nucleotide position 886. The alanine at codon 296 is replaced by threonine, an amino acid with similar properties. This amino acid position is conserved. In addition, this alteration is predicted to be tolerated by in silico analysis. Based on the available evidence, the clinical significance of this variant remains unclear.

NM_005263.5(GFI1):c.886G>A (p.Ala296Thr)

Gene: GFI1 (growth factor independent 1 transcriptional repressor; minus strand). Cytogenetic location: 1p22.1.
Variant type: single nucleotide variant.
Coding change: c.886G>A on transcript NM_005263.5 (MANE Select); coding-DNA position 886, G replaced by A.
Protein change: p.Ala296Thr; replaces alanine 296 with threonine.
Molecular consequence: missense variant.
Genome position (GRCh38, 1-based): chr1:92,480,386, C>T on the plus strand (G>A on the coding strand, the complement: GFI1 is on the minus strand). VCF-style: chr1-92480386-C-T. GRCh37 (hg19) VCF-style: chr1-92945943-C-T.
Other names: c.886G>A, p.Ala296Thr (NM_001127215.3, NM_001127216.3); short protein forms A296T.
Identifiers: ClinVar variation 4824843 (VCV004824843.1).
Genomic context (GRCh38, chr1:92,480,386, plus strand): 5'-CGGCGGTGCGCCCCGCGCTTACCTGCGAGTGCACGGCTTTGTGCTGCTCCAGGCTCACCG[C>T]GTGCCCGAAGGTCTTGCCGCACATCTCGCAGGCAAAGGGTCTGGTACCGCTGTGGGACCT-3'
Protein context (NP_005254.2, residues 286-306): CEMCGKTFGH[Ala296Thr]VSLEQHKAVH